The following is an entry in ClinVar:

ClinVar aggregate classification (germline): Conflicting classifications of pathogenicity. Review status: criteria provided, conflicting classifications (1 of 4 stars). 3 submissions from 3 submitters: Uncertain significance (2); Likely benign (1). Last evaluated 2026-01-10.

Conditions:
Hereditary cancer-predisposing syndrome. Also called: Neoplastic Syndromes, Hereditary; Hereditary Cancer Syndrome; Hereditary neoplastic syndrome; Tumor predisposition. Identifiers: Orphanet 140162, MedGen C0027672, MeSH D009386, MONDO:0015356.
Hereditary breast ovarian cancer syndrome. Also called: Hereditary breast and ovarian cancer syndrome; Hereditary breast and ovarian cancer syndrome (HBOC); Hereditary breast and/or ovarian cancer syndrome; Hereditary breast and ovarian cancer; BRCA1- and BRCA2-Associated Hereditary Breast and Ovarian Cancer; Breast and ovarian cancer. Identifiers: Orphanet 145, MedGen C0677776, MeSH D061325, MONDO:0003582. Disease mechanism: loss of function.

gnomAD v4.1: 1 of 1,606,750 alleles (0.000062%); highest among the groups gnomAD compares: East Asian, 0.0022%; no homozygotes.

Submissions (3):

Labcorp Genetics (formerly Invitae), Labcorp
Classification: Uncertain significance for Hereditary breast ovarian cancer syndrome. Last evaluated: 2026-01-10. Review status: criteria provided, single submitter. Criteria: Invitae Variant Classification Sherloc (09022015). Collection method: clinical testing. Allele origin: germline.
Comment: This sequence change replaces histidine, which is basic and polar, with proline, which is neutral and non-polar, at codon 2093 of the BRCA2 protein (p.His2093Pro). This variant is not present in population databases (gnomAD no frequency). This variant has not been reported in the literature in individuals affected with BRCA2-related conditions. ClinVar contains an entry for this variant (Variation ID: 934386). Invitae Evidence Modeling of protein sequence and biophysical properties (such as structural, functional, and spatial information, amino acid conservation, physicochemical variation, residue mobility, and thermodynamic stability) indicates that this missense variant is not expected to disrupt BRCA2 protein function with a negative predictive value of 95%. In summary, the available evidence is currently insufficient to determine the role of this variant in disease. Therefore, it has been classified as a Variant of Uncertain Significance.

University of Washington Department of Laboratory Medicine, University of Washington
Classification: Likely benign for Hereditary cancer-predisposing syndrome. Last evaluated: 2023-03-23. Review status: criteria provided, single submitter. Criteria: Dines et al. (Genet Med. 2020). Collection method: curation. Allele origin: germline.
Comment: Missense variant in a coldspot region where missense variants are very unlikely to be pathogenic (PMID:31911673).

BRCA2 exon 11 coldspot. Reclassification based on statistical prior probability.

Color Diagnostics, LLC DBA Color Health
Classification: Uncertain significance for Hereditary cancer-predisposing syndrome. Last evaluated: 2021-04-21. Review status: criteria provided, single submitter. Criteria: ACMG Guidelines, 2015. Collection method: clinical testing. Allele origin: germline.
Comment: This missense variant replaces histidine with proline at codon 2093 of the BRCA2 protein. Computational prediction suggests that this variant may not impact protein structure and function (internally defined REVEL score threshold <= 0.5, PMID: 27666373). To our knowledge, functional studies have not been reported for this variant. This variant has not been reported in individuals affected with hereditary cancer in the literature. This variant has not been identified in the general population by the Genome Aggregation Database (gnomAD). The available evidence is insufficient to determine the role of this variant in disease conclusively. Therefore, this variant is classified as a Variant of Uncertain Significance.

NM_000059.4(BRCA2):c.6278A>C (p.His2093Pro)

Gene: BRCA2 (BRCA2 DNA repair associated; plus strand). Cytogenetic location: 13q13.1.
Variant type: single nucleotide variant.
Coding change: c.6278A>C on transcript NM_000059.4 (MANE Select); coding-DNA position 6278, A replaced by C.
Protein change: p.His2093Pro; replaces histidine 2093 with proline.
Molecular consequence: missense variant.
Genome position (GRCh38, 1-based): chr13:32,340,633, A>C. VCF-style: chr13-32340633-A-C. GRCh37 (hg19) VCF-style: chr13-32914770-A-C.
Other names: short protein forms H2093P.
Identifiers: ClinVar variation 934386 (VCV000934386.13), dbSNP rs1218113889, ClinGen allele CA387788984.